The following is an entry in ClinVar:

NM_001278512.2(AP3B2):c.1898C>G (p.Ala633Gly)

Genes: AP3B2 (adaptor related protein complex 3 subunit beta 2; minus strand), CPEB1-AS1 (CPEB1 antisense RNA 1; plus strand). Cytogenetic location: 15q25.2.
Variant type: single nucleotide variant.
Coding change: c.1898C>G on transcript NM_001278512.2 (MANE Select); coding-DNA position 1898, C replaced by G.
Protein change: p.Ala633Gly; replaces alanine 633 with glycine.
Molecular consequence: missense variant.
Genome position (GRCh38, 1-based): chr15:82,665,530, G>C on the plus strand (C>G on the coding strand, the complement: AP3B2 is on the minus strand). VCF-style: chr15-82665530-G-C. GRCh37 (hg19) VCF-style: chr15-83334282-G-C.
Other names: c.1802C>G, p.Ala601Gly (NM_001278511.2); c.1898C>G, p.Ala633Gly (NM_004644.5); short protein forms A633G, A601G.
Identifiers: ClinVar variation 2091244 (VCV002091244.3), dbSNP rs374158382, ClinGen allele CA393313073.

ClinVar aggregate classification (germline): Uncertain significance (1 of 4 stars; one submission).

gnomAD v4.1: 3 of 1,613,840 alleles (0.00019%); highest among the groups gnomAD compares: Non-Finnish European, 0.00025%; no homozygotes.

Submission:

Labcorp Genetics (formerly Invitae), Labcorp
Classification: Uncertain significance. Last evaluated: 2025-07-14. Review status: criteria provided, single submitter. Criteria: Invitae Variant Classification Sherloc (09022015). Collection method: clinical testing. Allele origin: germline.
Comment: This sequence change replaces alanine, which is neutral and non-polar, with glycine, which is neutral and non-polar, at codon 633 of the AP3B2 protein (p.Ala633Gly). This variant is present in population databases (no rsID available, gnomAD 0.03%). This variant has not been reported in the literature in individuals affected with AP3B2-related conditions. ClinVar contains an entry for this variant (Variation ID: 2091244). An algorithm developed to predict the effect of missense changes on protein structure and function (PolyPhen-2) suggests that this variant is likely to be tolerated. In summary, the available evidence is currently insufficient to determine the role of this variant in disease. Therefore, it has been classified as a Variant of Uncertain Significance.